The following is an entry in ClinVar:

ClinVar aggregate classification (germline): Likely benign (1 of 4 stars; one submission).

Conditions:
PLXNA3-related disorder. Also called: PLXNA3-related condition.

gnomAD v4.1: 36 of 1,208,478 alleles (0.003%); highest among the groups gnomAD compares: East Asian, 0.0089%; no homozygotes.

Submission:

PreventionGenetics, part of Exact Sciences
Classification: Likely benign for PLXNA3-related condition. Last evaluated: 2024-11-15. Review status: criteria provided, single submitter. Criteria: ACMG Guidelines, 2015. Collection method: clinical testing. Allele origin: germline.
Comment: This variant is classified as likely benign based on ACMG/AMP sequence variant interpretation guidelines (Richards et al. 2015 PMID: 25741868, with internal and published modifications).

NM_017514.5(PLXNA3):c.1710G>A (p.Ala570=)

Gene: PLXNA3 (plexin A3; plus strand). Cytogenetic location: Xq28.
Variant type: single nucleotide variant.
Coding change: c.1710G>A on transcript NM_017514.5 (MANE Select); coding-DNA position 1710, G replaced by A.
Protein change: p.Ala570=; no amino-acid change (alanine 570 retained).
Molecular consequence: synonymous variant.
Genome position (GRCh38, 1-based): chrX:154,464,195, G>A. VCF-style: chrX-154464195-G-A. GRCh37 (hg19) VCF-style: chrX-153692538-G-A.
Identifiers: ClinVar variation 4986829 (VCV004986829.1).